The following is an entry in ClinVar:

ClinVar aggregate classification (germline): Uncertain significance (1 of 4 stars; one submission).

Conditions:
Hereditary cancer-predisposing syndrome. Also called: Tumor predisposition; Hereditary neoplastic syndrome; Hereditary Cancer Syndrome; Neoplastic Syndromes, Hereditary. Identifiers: Orphanet 140162, MedGen C0027672, MeSH D009386, MONDO:0015356.

Submission:

Ambry Genetics
Classification: Uncertain significance for Hereditary cancer-predisposing syndrome. Last evaluated: 2025-03-27. Review status: criteria provided, single submitter. Criteria: Ambry Variant Classification Scheme 2023. Collection method: clinical testing. Allele origin: germline.
Comment: The p.Y375H variant (also known as c.1123T>C), located in coding exon 7 of the PDGFRA gene, results from a T to C substitution at nucleotide position 1123. The tyrosine at codon 375 is replaced by histidine, an amino acid with similar properties. This amino acid position is well conserved in available vertebrate species. In addition, the in silico prediction for this alteration is inconclusive. Based on the available evidence, the clinical significance of this variant remains unclear.

NM_006206.6(PDGFRA):c.1123T>C (p.Tyr375His)

Gene: PDGFRA (platelet derived growth factor receptor alpha; plus strand). Cytogenetic location: 4q12.
Variant type: single nucleotide variant.
Coding change: c.1123T>C on transcript NM_006206.6 (MANE Select); coding-DNA position 1123, T replaced by C.
Protein change: p.Tyr375His; replaces tyrosine 375 with histidine.
Molecular consequence: missense variant.
Genome position (GRCh38, 1-based): chr4:54,270,634, T>C. VCF-style: chr4-54270634-T-C. GRCh37 (hg19) VCF-style: chr4-55136801-T-C.
Other names: c.1123T>C, p.Tyr375His (NM_001347827.2, NM_001347829.2); c.1198T>C, p.Tyr400His (NM_001347828.2); c.1162T>C, p.Tyr388His (NM_001347830.2); short protein forms Y388H, Y375H, Y400H.
Identifiers: ClinVar variation 3930183 (VCV003930183.1).